The following is an entry in ClinVar:

NM_001429.4(EP300):c.1609A>G (p.Ile537Val)

Gene: EP300 (EP300 lysine acetyltransferase; plus strand). Cytogenetic location: 22q13.2.
Variant type: single nucleotide variant.
Coding change: c.1609A>G on transcript NM_001429.4 (MANE Select); coding-DNA position 1609, A replaced by G.
Protein change: p.Ile537Val; replaces isoleucine 537 with valine.
Molecular consequence: missense variant.
Genome position (GRCh38, 1-based): chr22:41,135,893, A>G. VCF-style: chr22-41135893-A-G. GRCh37 (hg19) VCF-style: chr22-41531897-A-G.
Other names: c.1609A>G, p.Ile537Val (NM_001362843.2); short protein forms I537V.
Identifiers: ClinVar variation 3620028 (VCV003620028.2).

ClinVar aggregate classification (germline): Uncertain significance (1 of 4 stars; one submission).

Conditions:
Rubinstein-Taybi syndrome due to EP300 haploinsufficiency. Also called: EP300-Related Rubinstein-Taybi Syndrome; RUBINSTEIN-TAYBI SYNDROME 2. Identifiers: Orphanet 353284, Orphanet 783, MedGen C3150941, MONDO:0013364, OMIM 613684.

Submission:

Labcorp Genetics (formerly Invitae), Labcorp
Classification: Uncertain significance for Rubinstein-Taybi syndrome due to EP300 haploinsufficiency. Last evaluated: 2024-06-20. Review status: criteria provided, single submitter. Criteria: Invitae Variant Classification Sherloc (09022015). Collection method: clinical testing. Allele origin: germline.
Comment: This sequence change replaces isoleucine, which is neutral and non-polar, with valine, which is neutral and non-polar, at codon 537 of the EP300 protein (p.Ile537Val). This variant is not present in population databases (gnomAD no frequency). This variant has not been reported in the literature in individuals affected with EP300-related conditions. Advanced modeling of protein sequence and biophysical properties (such as structural, functional, and spatial information, amino acid conservation, physicochemical variation, residue mobility, and thermodynamic stability) performed at Invitae indicates that this missense variant is not expected to disrupt EP300 protein function with a negative predictive value of 80%. In summary, the available evidence is currently insufficient to determine the role of this variant in disease. Therefore, it has been classified as a Variant of Uncertain Significance.